The following is an entry in ClinVar:

ClinVar aggregate classification (germline): Uncertain significance (1 of 4 stars; one submission).

gnomAD v4.1: 1 of 1,605,790 alleles (0.000062%); highest among the groups gnomAD compares: South Asian, 0.0011%; no homozygotes.

Submission:

GeneDx
Classification: Uncertain significance. Last evaluated: 2023-08-26. Review status: criteria provided, single submitter. Criteria: GeneDx Variant Classification Process June 2021. Collection method: clinical testing. Allele origin: germline. Affected: yes.
Comment: Not observed at significant frequency in large population cohorts (gnomAD); In silico analysis supports a deleterious effect on splicing; In silico analysis supports that this missense variant does not alter protein structure/function; Has not been previously published as pathogenic or benign to our knowledge

NM_001270.4(CHD1):c.1710G>T (p.Met570Ile)

Gene: CHD1 (chromodomain helicase DNA binding protein 1; minus strand). Cytogenetic location: 5q15.
Variant type: single nucleotide variant.
Coding change: c.1710G>T on transcript NM_001270.4 (MANE Select); coding-DNA position 1710, G replaced by T.
Protein change: p.Met570Ile; replaces methionine 570 with isoleucine.
Molecular consequence: missense variant. On other transcripts: non-coding transcript variant (2).
Genome position (GRCh38, 1-based): chr5:98,896,226, C>A on the plus strand (G>T on the coding strand, the complement: CHD1 is on the minus strand). VCF-style: chr5-98896226-C-A. GRCh37 (hg19) VCF-style: chr5-98231930-C-A.
Other names: c.1710G>T, p.Met570Ile (NM_001364113.3, NM_001376194.2); short protein forms M570I.
Identifiers: ClinVar variation 3340766 (VCV003340766.1).